The following is an entry in ClinVar:

NM_017934.7(PHIP):c.2541C>T (p.Asp847=)

Gene: PHIP (PHIP subunit of CUL4-Ring ligase complex; minus strand). Cytogenetic location: 6q14.1.
Variant type: single nucleotide variant.
Coding change: c.2541C>T on transcript NM_017934.7 (MANE Select); coding-DNA position 2541, C replaced by T.
Protein change: p.Asp847=; no amino-acid change (aspartic acid 847 retained).
Molecular consequence: synonymous variant.
Genome position (GRCh38, 1-based): chr6:78,983,114, G>A on the plus strand (C>T on the coding strand, the complement: PHIP is on the minus strand). VCF-style: chr6-78983114-G-A. GRCh37 (hg19) VCF-style: chr6-79692831-G-A.
Identifiers: ClinVar variation 3353884 (VCV003353884.1).
Genomic context (GRCh38, chr6:78,983,114, plus strand): 5'-CTTTGGTGGCTGCAGATTAATTCCTGCATCTGCTGTCCAGTCAGAGTAATCACTGGAGTA[G>A]TCACTAGAAGGAGAGAAGGGATTATTAGATAACACACAAGATAAAATTTTAAGACTTGTT-3'
Protein context (NP_060404.4, residues 837-857): RAWHSDGSSS[Asp847=]YSSDYSDWTA

ClinVar aggregate classification (germline): Likely benign (0 of 4 stars; one submission).

Conditions:
PHIP-related disorder. Also called: PHIP-related condition; PHIP-related disorders.

gnomAD v4.1: 1 of 1,546,112 alleles (0.000065%); highest among the groups gnomAD compares: Non-Finnish European, 0.000088%; no homozygotes.

Submission:

PreventionGenetics, part of Exact Sciences
Classification: Likely benign for PHIP-related condition. Last evaluated: 2022-12-08. Review status: no assertion criteria provided. Collection method: clinical testing. Allele origin: germline.
Comment: This variant is classified as likely benign based on ACMG/AMP sequence variant interpretation guidelines (Richards et al. 2015 PMID: 25741868, with internal and published modifications).